The following is an entry in ClinVar:

ClinVar aggregate classification (germline): Uncertain significance (1 of 4 stars; one submission).

gnomAD v4.1: 2 of 1,614,130 alleles (0.00012%); highest among the groups gnomAD compares: Non-Finnish European, 0.00017%; no homozygotes.

Submission:

GeneDx
Classification: Uncertain significance. Last evaluated: 2019-10-14. Review status: criteria provided, single submitter. Criteria: GeneDx Variant Classification Process June 2021. Collection method: clinical testing. Allele origin: germline. Affected: yes.
Comment: Not observed in large population cohorts (Lek et al., 2016); In silico analysis, which includes protein predictors and evolutionary conservation, supports a deleterious effect; Has not been previously published as pathogenic or benign to our knowledge

NM_001025603.2(RFX5):c.611C>G (p.Ala204Gly)

Gene: RFX5 (regulatory factor X5; minus strand). Cytogenetic location: 1q21.3.
Variant type: single nucleotide variant.
Coding change: c.611C>G on transcript NM_001025603.2 (MANE Select); coding-DNA position 611, C replaced by G.
Protein change: p.Ala204Gly; replaces alanine 204 with glycine.
Molecular consequence: missense variant.
Genome position (GRCh38, 1-based): chr1:151,343,827, G>C on the plus strand (C>G on the coding strand, the complement: RFX5 is on the minus strand). VCF-style: chr1-151343827-G-C. GRCh37 (hg19) VCF-style: chr1-151316303-G-C.
Other names: c.611C>G, p.Ala204Gly (NM_000449.4, NM_001379412.1, NM_001379413.1 and 5 more transcripts); c.491C>G, p.Ala164Gly (NM_001379419.1, NM_001379420.1); short protein forms A164G, A204G.
Identifiers: ClinVar variation 1309450 (VCV001309450.2), dbSNP rs1260985647, ClinGen allele CA341938531.